The following is an entry in ClinVar:

ClinVar aggregate classification (germline): Uncertain significance. Review status: criteria provided, multiple submitters, no conflicts (2 of 4 stars). 2 submissions from 2 submitters: Uncertain significance (2). Last evaluated 2022-09-14.

Conditions:
Cardiovascular phenotype. Identifiers: MedGen CN230736.
Hypertrophic cardiomyopathy 14. Identifiers: MedGen C2750467, MONDO:0013197, OMIM 613251.

Allele frequency attached by ClinVar (database versions not stated): TOPMed below 0.00001.

Submissions (2):

Ambry Genetics
Classification: Uncertain significance for Cardiovascular phenotype. Last evaluated: 2022-09-14. Review status: criteria provided, single submitter. Criteria: Ambry Variant Classification Scheme 2023. Collection method: clinical testing. Allele origin: germline.

Labcorp Genetics (formerly Invitae), Labcorp
Classification: Uncertain significance for Hypertrophic cardiomyopathy 14. Last evaluated: 2020-08-20. Review status: criteria provided, single submitter. Criteria: Invitae Variant Classification Sherloc (09022015). Collection method: clinical testing. Allele origin: germline.
Comment: In summary, the available evidence is currently insufficient to determine the role of this variant in disease. Therefore, it has been classified as a Variant of Uncertain Significance. Algorithms developed to predict the effect of missense changes on protein structure and function do not agree on the potential impact of this missense change (SIFT: "Tolerated"; PolyPhen-2: "Possibly Damaging"; Align-GVGD: "Class C0"). This variant has not been reported in the literature in individuals with MYH6-related disease. This variant is not present in population databases (ExAC no frequency). This sequence change replaces glutamic acid with glutamine at codon 1470 of the MYH6 protein (p.Glu1470Gln). The glutamic acid residue is moderately conserved and there is a small physicochemical difference between glutamic acid and glutamine.

NM_002471.4(MYH6):c.4408G>C (p.Glu1470Gln)

Gene: MYH6 (myosin heavy chain 6; minus strand). Cytogenetic location: 14q11.2.
Variant type: single nucleotide variant.
Coding change: c.4408G>C on transcript NM_002471.4 (MANE Select); coding-DNA position 4408, G replaced by C.
Protein change: p.Glu1470Gln; replaces glutamic acid 1470 with glutamine.
Molecular consequence: missense variant.
Genome position (GRCh38, 1-based): chr14:23,387,875, C>G on the plus strand (G>C on the coding strand, the complement: MYH6 is on the minus strand). VCF-style: chr14-23387875-C-G. GRCh37 (hg19) VCF-style: chr14-23857084-C-G.
Other names: short protein forms E1470Q.
Identifiers: ClinVar variation 537967 (VCV000537967.9), dbSNP rs1555333429, ClinGen allele CA388997783.